The following is an entry in ClinVar:

ClinVar aggregate classification (germline): Uncertain significance. Review status: criteria provided, multiple submitters, no conflicts (2 of 4 stars). 3 submissions from 3 submitters: Uncertain significance (3). Last evaluated 2026-09-01.

Conditions:
Inborn genetic diseases. Identifiers: MedGen C0950123, MeSH D030342.

Allele frequency attached by ClinVar (database versions not stated): gnomAD exomes below 0.00001; ExAC 0.00001; gnomAD 0.00001.

Submissions (3):

CeGaT Center for Human Genetics Tuebingen
Classification: Uncertain significance. Last evaluated: 2026-09-01. Review status: criteria provided, single submitter. Criteria: CeGaT Center For Human Genetics Tuebingen Variant Classification Criteria Version 2. Collection method: clinical testing. Allele origin: germline. Affected: yes. Observed: 1 variant allele.
Comment: EFTUD2: PP3

Labcorp Genetics (formerly Invitae), Labcorp
Classification: Uncertain significance. Last evaluated: 2024-11-05. Review status: criteria provided, single submitter. Criteria: Invitae Variant Classification Sherloc (09022015). Collection method: clinical testing. Allele origin: germline.
Comment: This sequence change replaces arginine, which is basic and polar, with glutamine, which is neutral and polar, at codon 495 of the EFTUD2 protein (p.Arg495Gln). The frequency data for this variant in the population databases is considered unreliable, as metrics indicate poor data quality at this position in the gnomAD database. This variant has not been reported in the literature in individuals affected with EFTUD2-related conditions. ClinVar contains an entry for this variant (Variation ID: 2230030). Invitae Evidence Modeling of protein sequence and biophysical properties (such as structural, functional, and spatial information, amino acid conservation, physicochemical variation, residue mobility, and thermodynamic stability) indicates that this missense variant is expected to disrupt EFTUD2 protein function with a positive predictive value of 80%. In summary, the available evidence is currently insufficient to determine the role of this variant in disease. Therefore, it has been classified as a Variant of Uncertain Significance.

Ambry Genetics
Classification: Uncertain significance for Inborn genetic diseases. Last evaluated: 2021-04-07. Review status: criteria provided, single submitter. Criteria: Ambry Variant Classification Scheme 2023. Collection method: clinical testing. Allele origin: germline.
Comment: The c.1484G>A (p.R495Q) alteration is located in exon 16 (coding exon 15) of the EFTUD2 gene. This alteration results from a G to A substitution at nucleotide position 1484, causing the arginine (R) at amino acid position 495 to be replaced by a glutamine (Q). The p.R495Q alteration is predicted to be deleterious by in silico analysis. Based on insufficient or conflicting evidence, the clinical significance of this alteration remains unclear.

NM_004247.4(EFTUD2):c.1484G>A (p.Arg495Gln)

Gene: EFTUD2 (elongation factor Tu GTP binding domain containing 2; minus strand). Cytogenetic location: 17q21.31.
Variant type: single nucleotide variant.
Coding change: c.1484G>A on transcript NM_004247.4 (MANE Select); coding-DNA position 1484, G replaced by A.
Protein change: p.Arg495Gln; replaces arginine 495 with glutamine.
Molecular consequence: missense variant.
Genome position (GRCh38, 1-based): chr17:44,862,836, C>T on the plus strand (G>A on the coding strand, the complement: EFTUD2 is on the minus strand). VCF-style: chr17-44862836-C-T. GRCh37 (hg19) VCF-style: chr17-42940204-C-T.
Other names: c.1379G>A, p.Arg460Gln (NM_001142605.2); c.1484G>A, p.Arg495Gln (NM_001258353.2); c.1454G>A, p.Arg485Gln (NM_001258354.2); short protein forms R495Q, R485Q, R460Q.
Identifiers: ClinVar variation 2230030 (VCV002230030.5), dbSNP rs770816449, ClinGen allele CA8607761.